The following is an entry in ClinVar:

ClinVar aggregate classification (germline): Likely benign (1 of 4 stars; one submission).

gnomAD v4.1: 2,102 of 1,613,446 alleles (0.13%); highest among the groups gnomAD compares: Middle Eastern, 0.15%; 14 homozygotes.

Submission:

CeGaT Center for Human Genetics Tuebingen
Classification: Likely benign. Last evaluated: 2025-07-01. Review status: criteria provided, single submitter. Criteria: CeGaT Center For Human Genetics Tuebingen Variant Classification Criteria Version 2. Collection method: clinical testing. Allele origin: germline. Affected: yes. Observed: 1 variant allele.
Comment: NPNT: BS1

NM_001033047.3(NPNT):c.734G>C (p.Gly245Ala)

Gene: NPNT (nephronectin; plus strand). Cytogenetic location: 4q24.
Variant type: single nucleotide variant.
Coding change: c.734G>C on transcript NM_001033047.3 (MANE Select); coding-DNA position 734, G replaced by C.
Protein change: p.Gly245Ala; replaces glycine 245 with alanine.
Molecular consequence: missense variant.
Genome position (GRCh38, 1-based): chr4:105,940,607, G>C. VCF-style: chr4-105940607-G-C. GRCh37 (hg19) VCF-style: chr4-106861764-G-C.
Other names: c.785G>C, p.Gly262Ala (NM_001184690.2); c.824G>C, p.Gly275Ala (NM_001184691.2, NM_001184693.2); c.734G>C, p.Gly245Ala (NM_001184692.2); short protein forms G245A, G262A, G275A.
Identifiers: ClinVar variation 4083565 (VCV004083565.8).
Genomic context (GRCh38, chr4:105,940,607, plus strand): 5'-GCAGCAGCTTTGCTCGATGTTATAACATACGTGGGTCCTACAAGTGCAAATGTAAAGAAG[G>C]ATACCAGGGTGATGGACTGACTTGTGTGTGTGAGTAGCACTTGTCTCTCAGCTTTAAATT-3'
Protein context (NP_001028219.1, residues 235-255): RGSYKCKCKE[Gly245Ala]YQGDGLTCVY